The following is an entry in ClinVar:

ClinVar aggregate classification (germline): Uncertain significance (1 of 4 stars; one submission).

Conditions:
Pitt-Hopkins-like syndrome 2 (PTHSL2). Identifiers: Orphanet 221150, Orphanet 600663, MedGen C3280479, MONDO:0013690, OMIM 614325.

Allele frequency attached by ClinVar (database versions not stated): gnomAD exomes below 0.00001; ExAC 0.00001.
gnomAD v4.1: 2 of 1,610,314 alleles (0.00012%); highest among the groups gnomAD compares: African/African-American, 0.0013%; no homozygotes.

Submission:

Labcorp Genetics (formerly Invitae), Labcorp
Classification: Uncertain significance for Pitt-Hopkins-like syndrome 2. Last evaluated: 2023-08-04. Review status: criteria provided, single submitter. Criteria: Invitae Variant Classification Sherloc (09022015). Collection method: clinical testing. Allele origin: germline.
Comment: This sequence change replaces isoleucine, which is neutral and non-polar, with valine, which is neutral and non-polar, at codon 1053 of the NRXN1 protein (p.Ile1053Val). This variant is present in population databases (rs759230013, gnomAD 0.003%). This variant has not been reported in the literature in individuals affected with NRXN1-related conditions. An algorithm developed to predict the effect of missense changes on protein structure and function (PolyPhen-2) suggests that this variant is likely to be tolerated. In summary, the available evidence is currently insufficient to determine the role of this variant in disease. Therefore, it has been classified as a Variant of Uncertain Significance.

NM_001330078.2(NRXN1):c.3037A>G (p.Ile1013Val)

Gene: NRXN1 (neurexin 1; minus strand). Cytogenetic location: 2p16.3.
Variant type: single nucleotide variant.
Coding change: c.3037A>G on transcript NM_001330078.2 (MANE Select); coding-DNA position 3037, A replaced by G.
Protein change: p.Ile1013Val; replaces isoleucine 1013 with valine.
Molecular consequence: missense variant.
Genome position (GRCh38, 1-based): chr2:50,495,938, T>C on the plus strand (A>G on the coding strand, the complement: NRXN1 is on the minus strand). VCF-style: chr2-50495938-T-C. GRCh37 (hg19) VCF-style: chr2-50723076-T-C.
Other names: c.3157A>G, p.Ile1053Val (NM_001135659.3); c.3013A>G, p.Ile1005Val (NM_001330077.2, NM_001330082.2); c.2971A>G, p.Ile991Val (NM_001330083.2, NM_001330084.2); c.3010A>G, p.Ile1004Val (NM_001330085.2); c.3037A>G, p.Ile1013Val (NM_001330086.2, NM_004801.6); c.2926A>G, p.Ile976Val (NM_001330087.2, NM_001330096.2); c.2956A>G, p.Ile986Val (NM_001330088.2); c.3034A>G, p.Ile1012Val (NM_001330093.2); and 2 more; short protein forms I1004V, I1053V, I976V, I986V, I991V, I1009V, I1013V, I1005V.
Identifiers: ClinVar variation 2833239 (VCV002833239.3), dbSNP rs759230013, ClinGen allele CA1654687.